The following is an entry in ClinVar:

ClinVar aggregate classification (germline): Uncertain significance (1 of 4 stars; one submission).

Allele frequency attached by ClinVar (database versions not stated): gnomAD 0.00001.

Submission:

Labcorp Genetics (formerly Invitae), Labcorp
Classification: Uncertain significance. Last evaluated: 2022-09-12. Review status: criteria provided, single submitter. Criteria: Invitae Variant Classification Sherloc (09022015). Collection method: clinical testing. Allele origin: germline.
Comment: This variant has not been reported in the literature in individuals affected with SCN3A-related conditions. In summary, the available evidence is currently insufficient to determine the role of this variant in disease. Therefore, it has been classified as a Variant of Uncertain Significance. ClinVar contains an entry for this variant (Variation ID: 1394437). This variant is not present in population databases (gnomAD no frequency). This sequence change creates a premature translational stop signal (p.Ile1348Leufs*2) in the SCN3A gene. It is expected to result in an absent or disrupted protein product. However, the current clinical and genetic evidence is not sufficient to establish whether loss-of-function variants in SCN3A cause disease.

NM_006922.4(SCN3A):c.4042_4043del (p.Ile1348fs)

Gene: SCN3A (sodium voltage-gated channel alpha subunit 3; minus strand). Cytogenetic location: 2q24.3.
Variant type: Deletion.
Coding change: c.4042_4043del on transcript NM_006922.4 (MANE Select); coding-DNA positions 4042 to 4043, 2 bases deleted (AT; older notation c.4042_4043delAT).
Protein change: p.Ile1348fs; shifts the reading frame from isoleucine 1348.
Molecular consequence: frameshift variant.
Genome position (GRCh38, 1-based): chr2:165,097,448-165,097,449, AT deleted on the plus strand (AT on the coding strand, the reverse complement: SCN3A is on the minus strand). VCF-style (leftmost placement, unchanged base first): chr2-165097447-GAT-G. GRCh37 (hg19) VCF-style: chr2-165953957-GAT-G.
Other names: c.3895_3896del, p.Ile1299fs (NM_001081676.2, NM_001081677.2); short protein forms I1348fs, I1299fs.
Identifiers: ClinVar variation 1394437 (VCV001394437.6), dbSNP rs1685410678, ClinGen allele CA1038767498.
Genomic context (GRCh38, chr2:165,097,447, plus strand): 5'-TGTCATGTTAACACAGTGGTAGAACTTGCCAGCAAACAAATTCACACCCATGATGCTAAA[GAT>G]CAACCAGAAGATGAGACAGACCAACAGCACATTCATGATAGAGGGAATTGCTCCAACAAG-3'